The following is an entry in ClinVar:

NM_020442.6(VARS2):c.1886T>C (p.Met629Thr)

Genes: VARS2 (valyl-tRNA synthetase 2, mitochondrial; plus strand), LOC126859646 (MED14-independent group 3 enhancer GRCh37_chr6:30889690-30890889; plus strand). Cytogenetic location: 6p21.33.
Variant type: single nucleotide variant.
Coding change: c.1886T>C on transcript NM_020442.6 (MANE Select); coding-DNA position 1886, T replaced by C.
Protein change: p.Met629Thr; replaces methionine 629 with threonine.
Molecular consequence: missense variant.
Genome position (GRCh38, 1-based): chr6:30,922,195, T>C. VCF-style: chr6-30922195-T-C. GRCh37 (hg19) VCF-style: chr6-30889972-T-C.
Other names: c.1466T>C, p.Met489Thr (NM_001167733.3); c.1976T>C, p.Met659Thr (NM_001167734.2); short protein forms M629T, M659T, M489T.
Identifiers: ClinVar variation 2079035 (VCV002079035.4), dbSNP rs1189190098, ClinGen allele CA363174347.

ClinVar aggregate classification (germline): Uncertain significance (1 of 4 stars; one submission).

Allele frequency attached by ClinVar (database versions not stated): gnomAD exomes below 0.00001.
gnomAD v4.1: 1 of 1,612,844 alleles (0.000062%); highest among the groups gnomAD compares: South Asian, 0.0011%; no homozygotes.

Submission:

Labcorp Genetics (formerly Invitae), Labcorp
Classification: Uncertain significance. Last evaluated: 2022-01-11. Review status: criteria provided, single submitter. Criteria: Invitae Variant Classification Sherloc (09022015). Collection method: clinical testing. Allele origin: germline.
Comment: In summary, the available evidence is currently insufficient to determine the role of this variant in disease. Therefore, it has been classified as a Variant of Uncertain Significance. Algorithms developed to predict the effect of missense changes on protein structure and function (SIFT, PolyPhen-2, Align-GVGD) all suggest that this variant is likely to be disruptive. This variant has not been reported in the literature in individuals affected with VARS2-related conditions. This variant is present in population databases (no rsID available, gnomAD 0.003%). This sequence change replaces methionine, which is neutral and non-polar, with threonine, which is neutral and polar, at codon 659 of the VARS2 protein (p.Met659Thr).